The following is an entry in ClinVar:

NM_004859.4(CLTC):c.2231T>G (p.Val744Gly)

Gene: CLTC (clathrin heavy chain; plus strand). Cytogenetic location: 17q23.1.
Variant type: single nucleotide variant.
Coding change: c.2231T>G on transcript NM_004859.4 (MANE Select); coding-DNA position 2231, T replaced by G.
Protein change: p.Val744Gly; replaces valine 744 with glycine.
Molecular consequence: missense variant.
Genome position (GRCh38, 1-based): chr17:59,668,879, T>G. VCF-style: chr17-59668879-T-G. GRCh37 (hg19) VCF-style: chr17-57746240-T-G.
Other names: c.2243T>G, p.Val748Gly (NM_001288653.2); short protein forms V748G, V744G.
Identifiers: ClinVar variation 5034641 (VCV005034641.1).

ClinVar aggregate classification (germline): Uncertain significance (1 of 4 stars; one submission).

Conditions:
Inborn genetic diseases. Identifiers: MedGen C0950123, MeSH D030342.

Submission:

Ambry Genetics
Classification: Uncertain significance for Inborn genetic diseases. Last evaluated: 2026-08-27. Review status: criteria provided, single submitter. Criteria: Ambry Variant Classification Scheme 2023. Collection method: clinical testing. Allele origin: germline.
Comment: The c.2231T>G (p.V744G) alteration is located in exon 14 (coding exon 14) of the CLTC gene. This alteration results from a T to G substitution at nucleotide position 2231, causing the valine (V) at amino acid position 744 to be replaced by a glycine (G). This variant was not reported in population-based cohorts in the Genome Aggregation Database (gnomAD). This amino acid position is highly conserved in available vertebrate species. This missense variant is located in a region that has a low rate of benign missense variation (Lek, 2016; Firth, 2009). This alteration is predicted to be deleterious by in silico analysis. Based on insufficient or conflicting evidence, the clinical significance of this alteration remains unclear.